The following is an entry in ClinVar:

ClinVar aggregate classification (germline): Uncertain significance (1 of 4 stars; one submission).

Conditions:
Transcobalamin II deficiency (TCN2D). Also called: Transcolabamin II deficiency; TC II DEFICIENCY; TCN2 DEFICIENCY. Identifiers: Orphanet 859, MedGen C0342701, MONDO:0010149, OMIM 275350.

gnomAD v4.1: 6 of 1,613,998 alleles (0.00037%); highest among the groups gnomAD compares: Non-Finnish European, 0.00051%; no homozygotes.

Submission:

Labcorp Genetics (formerly Invitae), Labcorp
Classification: Uncertain significance for Transcobalamin II deficiency. Last evaluated: 2024-02-23. Review status: criteria provided, single submitter. Criteria: Invitae Variant Classification Sherloc (09022015). Collection method: clinical testing. Allele origin: germline.
Comment: This sequence change replaces proline, which is neutral and non-polar, with alanine, which is neutral and non-polar, at codon 257 of the TCN2 protein (p.Pro257Ala). This variant is present in population databases (no rsID available, gnomAD 0.007%). This variant has not been reported in the literature in individuals affected with TCN2-related conditions. ClinVar contains an entry for this variant (Variation ID: 2188488). Advanced modeling of protein sequence and biophysical properties (such as structural, functional, and spatial information, amino acid conservation, physicochemical variation, residue mobility, and thermodynamic stability) performed at Invitae indicates that this missense variant is not expected to disrupt TCN2 protein function with a negative predictive value of 80%. In summary, the available evidence is currently insufficient to determine the role of this variant in disease. Therefore, it has been classified as a Variant of Uncertain Significance.

NM_000355.4(TCN2):c.769C>G (p.Pro257Ala)

Gene: TCN2 (transcobalamin 2; plus strand). Cytogenetic location: 22q12.2.
Variant type: single nucleotide variant.
Coding change: c.769C>G on transcript NM_000355.4 (MANE Select); coding-DNA position 769, C replaced by G.
Protein change: p.Pro257Ala; replaces proline 257 with alanine.
Molecular consequence: missense variant.
Genome position (GRCh38, 1-based): chr22:30,615,616, C>G. VCF-style: chr22-30615616-C-G. GRCh37 (hg19) VCF-style: chr22-31011603-C-G.
Other names: c.688C>G, p.Pro230Ala (NM_001184726.2); short protein forms P230A, P257A.
Identifiers: ClinVar variation 2188488 (VCV002188488.3), dbSNP rs1005701580, ClinGen allele CA323233682.